The following is an entry in ClinVar:

NM_015102.5(NPHP4):c.184_246del (p.Phe62_Thr82del)

Gene: NPHP4 (nephrocystin 4; minus strand). Cytogenetic location: 1p36.31.
Variant type: Deletion.
Coding change: c.184_246del on transcript NM_015102.5 (MANE Select); coding-DNA positions 184 to 246, 63 bases deleted.
Protein change: p.Phe62_Thr82del.
Molecular consequence: non-coding transcript variant (on NR_111987.2). On other transcripts: intron variant (1), 5 prime UTR variant (1).
Genome position (GRCh38, 1-based): chr1:5,978,303-5,978,365, 63 bases deleted. GRCh37 (hg19): chr1:6,038,363-6,038,425.
Other names: c.-1087-9106_-1087-9044del (NM_001291594.2); c.-1046_-984del (NM_001291593.2).
Identifiers: ClinVar variation 3677885 (VCV003677885.2).

ClinVar aggregate classification (germline): Uncertain significance (1 of 4 stars; one submission).

Conditions:
Nephronophthisis. Also called: Juvenile Nephronophthisis. Identifiers: Orphanet 655, MedGen C0687120, MONDO:0019005, HP:0000090.

Submission:

Labcorp Genetics (formerly Invitae), Labcorp
Classification: Uncertain significance for Nephronophthisis. Last evaluated: 2024-08-20. Review status: criteria provided, single submitter. Criteria: Invitae Variant Classification Sherloc (09022015). Collection method: clinical testing. Allele origin: germline.
Comment: This variant, c.184_246del, results in the deletion of 21 amino acid(s) of the NPHP4 protein (p.Phe62_Thr82del), but otherwise preserves the integrity of the reading frame. This variant is present in population databases (no rsID available, gnomAD 0.01%). This variant has not been reported in the literature in individuals affected with NPHP4-related conditions. Experimental studies and prediction algorithms are not available or were not evaluated, and the functional significance of this variant is currently unknown. In summary, the available evidence is currently insufficient to determine the role of this variant in disease. Therefore, it has been classified as a Variant of Uncertain Significance.